The following is an entry in ClinVar:

ClinVar aggregate classification (germline): Uncertain significance. Review status: criteria provided, multiple submitters, no conflicts (2 of 4 stars). 2 submissions from 2 submitters: Uncertain significance (2). Last evaluated 2025-04-01.

gnomAD v4.1: 1 of 1,613,946 alleles (0.000062%); no homozygotes.

Submissions (2):

CeGaT Center for Human Genetics Tuebingen
Classification: Uncertain significance. Last evaluated: 2025-04-01. Review status: criteria provided, single submitter. Criteria: CeGaT Center For Human Genetics Tuebingen Variant Classification Criteria Version 2. Collection method: clinical testing. Allele origin: germline. Affected: yes. Observed: 1 variant allele.
Comment: SETD5: PM2

Labcorp Genetics (formerly Invitae), Labcorp
Classification: Uncertain significance. Last evaluated: 2022-04-24. Review status: criteria provided, single submitter. Criteria: Invitae Variant Classification Sherloc (09022015). Collection method: clinical testing. Allele origin: germline.
Comment: In summary, the available evidence is currently insufficient to determine the role of this variant in disease. Therefore, it has been classified as a Variant of Uncertain Significance. Algorithms developed to predict the effect of missense changes on protein structure and function (SIFT, PolyPhen-2, Align-GVGD) all suggest that this variant is likely to be tolerated. This variant has not been reported in the literature in individuals affected with SETD5-related conditions. This variant is not present in population databases (gnomAD no frequency). This sequence change replaces threonine, which is neutral and polar, with alanine, which is neutral and non-polar, at codon 88 of the SETD5 protein (p.Thr88Ala).

NM_001080517.3(SETD5):c.262A>G (p.Thr88Ala)

Gene: SETD5 (SET domain containing 5; plus strand). Cytogenetic location: 3p25.3.
Variant type: single nucleotide variant.
Coding change: c.262A>G on transcript NM_001080517.3 (MANE Select); coding-DNA position 262, A replaced by G.
Protein change: p.Thr88Ala; replaces threonine 88 with alanine.
Molecular consequence: missense variant. On other transcripts: 5 prime UTR variant (2).
Genome position (GRCh38, 1-based): chr3:9,434,418, A>G. VCF-style: chr3-9434418-A-G. GRCh37 (hg19) VCF-style: chr3-9476102-A-G.
Other names: c.-72A>G (NM_001292043.2); c.-113A>G (NM_001349451.2); short protein forms T88A.
Identifiers: ClinVar variation 2129970 (VCV002129970.11), dbSNP rs2472433365, ClinGen allele CA351682806.